The following is an entry in ClinVar:

ClinVar aggregate classification (germline): Uncertain significance. Review status: criteria provided, multiple submitters, no conflicts (2 of 4 stars). 2 submissions from 2 submitters: Uncertain significance (2). Last evaluated 2025-06-19.

Conditions:
Inborn genetic diseases. Identifiers: MedGen C0950123, MeSH D030342.

Submissions (2):

Ambry Genetics
Classification: Uncertain significance for Inborn genetic diseases. Last evaluated: 2025-06-19. Review status: criteria provided, single submitter. Criteria: Ambry Variant Classification Scheme 2023. Collection method: clinical testing. Allele origin: germline.

GeneDx
Classification: Uncertain significance. Last evaluated: 2023-03-31. Review status: criteria provided, single submitter. Criteria: GeneDx Variant Classification Process June 2021. Collection method: clinical testing. Allele origin: germline. Affected: yes.
Comment: In silico analysis supports that this missense variant has a deleterious effect on protein structure/function; Has not been previously published as pathogenic or benign to our knowledge

NM_207346.3(TSEN54):c.1162C>T (p.Arg388Trp)

Gene: TSEN54 (tRNA splicing endonuclease subunit 54; plus strand). Cytogenetic location: 17q25.1.
Variant type: single nucleotide variant.
Coding change: c.1162C>T on transcript NM_207346.3 (MANE Select); coding-DNA position 1162, C replaced by T.
Protein change: p.Arg388Trp; replaces arginine 388 with tryptophan.
Molecular consequence: missense variant.
Genome position (GRCh38, 1-based): chr17:75,522,243, C>T. VCF-style: chr17-75522243-C-T. GRCh37 (hg19) VCF-style: chr17-73518324-C-T.
Other names: short protein forms R388W.
Identifiers: ClinVar variation 2581855 (VCV002581855.2), dbSNP rs575503646, ClinGen allele CA401029948.